The following is an entry in ClinVar:

ClinVar aggregate classification (germline): Uncertain significance (1 of 4 stars; one submission).

Conditions:
Mowat-Wilson syndrome (MOWS). Also called: Classic Mowat-Wilson Syndrome. Identifiers: Orphanet 2152, MedGen C1856113, MONDO:0009341, OMIM 235730.

Allele frequency attached by ClinVar (database versions not stated): gnomAD exomes below 0.00001 and 0.00001; TOPMed below 0.00001.
gnomAD v4.1: 3 of 1,614,108 alleles (0.00019%); highest among the groups gnomAD compares: Non-Finnish European, 0.00025%; no homozygotes.

Submission:

Labcorp Genetics (formerly Invitae), Labcorp
Classification: Uncertain significance for Mowat-Wilson syndrome. Last evaluated: 2023-01-12. Review status: criteria provided, single submitter. Criteria: Invitae Variant Classification Sherloc (09022015). Collection method: clinical testing. Allele origin: germline.
Comment: In summary, the available evidence is currently insufficient to determine the role of this variant in disease. Therefore, it has been classified as a Variant of Uncertain Significance. Algorithms developed to predict the effect of missense changes on protein structure and function (SIFT, PolyPhen-2, Align-GVGD) all suggest that this variant is likely to be tolerated. ClinVar contains an entry for this variant (Variation ID: 862431). This variant has not been reported in the literature in individuals affected with ZEB2-related conditions. This variant is present in population databases (no rsID available, gnomAD 0.0009%). This sequence change replaces methionine, which is neutral and non-polar, with leucine, which is neutral and non-polar, at codon 491 of the ZEB2 protein (p.Met491Leu).

NM_014795.4(ZEB2):c.1471A>T (p.Met491Leu)

Gene: ZEB2 (zinc finger E-box binding homeobox 2; minus strand). Cytogenetic location: 2q22.3.
Variant type: single nucleotide variant.
Coding change: c.1471A>T on transcript NM_014795.4 (MANE Select); coding-DNA position 1471, A replaced by T.
Protein change: p.Met491Leu; replaces methionine 491 with leucine.
Molecular consequence: missense variant.
Genome position (GRCh38, 1-based): chr2:144,399,716, T>A on the plus strand (A>T on the coding strand, the complement: ZEB2 is on the minus strand). VCF-style: chr2-144399716-T-A. GRCh37 (hg19) VCF-style: chr2-145157283-T-A.
Other names: c.1399A>T, p.Met467Leu (NM_001171653.2); short protein forms M467L, M491L.
Identifiers: ClinVar variation 862431 (VCV000862431.4), dbSNP rs1294703110, ClinGen allele CA348711314.